The following is an entry in ClinVar:

NM_006915.3(RP2):c.623A>C (p.Lys208Thr)

Gene: RP2 (RP2 activator of ARL3 GTPase; plus strand). Cytogenetic location: Xp11.3.
Variant type: single nucleotide variant.
Coding change: c.623A>C on transcript NM_006915.3 (MANE Select); coding-DNA position 623, A replaced by C.
Protein change: p.Lys208Thr; replaces lysine 208 with threonine.
Molecular consequence: missense variant.
Genome position (GRCh38, 1-based): chrX:46,853,996, A>C. VCF-style: chrX-46853996-A-C. GRCh37 (hg19) VCF-style: chrX-46713431-A-C.
Other names: c.623A>C (NM_006915.2); short protein forms K208T.
Identifiers: ClinVar variation 1469563 (VCV001469563.6), dbSNP rs782302711, ClinGen allele CA10394226.

ClinVar aggregate classification (germline): Uncertain significance. Review status: criteria provided, multiple submitters, no conflicts (2 of 4 stars). 2 submissions from 2 submitters: Uncertain significance (2). Last evaluated 2024-03-25.

Conditions:
Inborn genetic diseases. Identifiers: MedGen C0950123, MeSH D030342.

Allele frequency attached by ClinVar (database versions not stated): TOPMed below 0.00001; ExAC 0.00001.
gnomAD v4.1: 48 of 1,211,903 alleles (0.004%); highest among the groups gnomAD compares: Non-Finnish European, 0.005%; no homozygotes.

Submissions (2):

Ambry Genetics
Classification: Uncertain significance for Inborn genetic diseases. Last evaluated: 2024-03-25. Review status: criteria provided, single submitter. Criteria: Ambry Variant Classification Scheme 2023. Collection method: clinical testing. Allele origin: germline.

Labcorp Genetics (formerly Invitae), Labcorp
Classification: Uncertain significance. Last evaluated: 2021-12-24. Review status: criteria provided, single submitter. Criteria: Invitae Variant Classification Sherloc (09022015). Collection method: clinical testing. Allele origin: germline.
Comment: This sequence change replaces lysine, which is basic and polar, with threonine, which is neutral and polar, at codon 208 of the RP2 protein (p.Lys208Thr). This variant is present in population databases (rs782302711, gnomAD 0.001%). This variant has not been reported in the literature in individuals affected with RP2-related conditions. Algorithms developed to predict the effect of missense changes on protein structure and function are either unavailable or do not agree on the potential impact of this missense change (SIFT: "Deleterious"; PolyPhen-2: "Benign"; Align-GVGD: "Class C25"). In summary, the available evidence is currently insufficient to determine the role of this variant in disease. Therefore, it has been classified as a Variant of Uncertain Significance.